The following is an entry in ClinVar:

NM_002500.5(NEUROD1):c.1067A>G (p.Asp356Gly)

Gene: NEUROD1 (neuronal differentiation 1; minus strand). Cytogenetic location: 2q31.3.
Variant type: single nucleotide variant.
Coding change: c.1067A>G on transcript NM_002500.5 (MANE Select); coding-DNA position 1067, A replaced by G.
Protein change: p.Asp356Gly; replaces aspartic acid 356 with glycine.
Molecular consequence: missense variant.
Genome position (GRCh38, 1-based): chr2:181,677,794, T>C on the plus strand (A>G on the coding strand, the complement: NEUROD1 is on the minus strand). VCF-style: chr2-181677794-T-C. GRCh37 (hg19) VCF-style: chr2-182542521-T-C.
Other names: short protein forms D356G.
Identifiers: ClinVar variation 1014904 (VCV001014904.8), dbSNP rs1007142199, ClinGen allele CA62111398.
Genomic context (GRCh38, chr2:181,677,794, plus strand): 5'-CAGTCACTGTAAGCACAGTGGGTTCGTTTCCCGGAAATGGTGAAACTGGCGTGCCTCTAA[T>C]CATGAAATATGGCATTGAGCTGGGCACTCATGACTCGCTCATGATGTGAATGGCTATCGA-3'
Protein context (NP_002491.3, residues 346-356): MSAQLNAIFH[Asp356Gly]

ClinVar aggregate classification (germline): Uncertain significance (1 of 4 stars; one submission).

Allele frequency attached by ClinVar (database versions not stated): gnomAD 0.00001; TOPMed 0.00002.
gnomAD v4.1: 2 of 1,614,022 alleles (0.00012%); highest among the groups gnomAD compares: African/African-American, 0.0013%; no homozygotes.

Submission:

Labcorp Genetics (formerly Invitae), Labcorp
Classification: Uncertain significance. Last evaluated: 2024-03-04. Review status: criteria provided, single submitter. Criteria: Invitae Variant Classification Sherloc (09022015). Collection method: clinical testing. Allele origin: germline.
Comment: This sequence change replaces aspartic acid, which is acidic and polar, with glycine, which is neutral and non-polar, at codon 356 of the NEUROD1 protein (p.Asp356Gly). This variant is not present in population databases (gnomAD no frequency). This variant has not been reported in the literature in individuals affected with NEUROD1-related conditions. ClinVar contains an entry for this variant (Variation ID: 1014904). An algorithm developed to predict the effect of missense changes on protein structure and function (PolyPhen-2) suggests that this variant is likely to be tolerated. In summary, the available evidence is currently insufficient to determine the role of this variant in disease. Therefore, it has been classified as a Variant of Uncertain Significance.